The following is an entry in ClinVar:

NM_031857.2(PCDHA9):c.366G>A (p.Glu122=)

Genes: PCDHA1 (protocadherin alpha 1; plus strand), PCDHA2 (protocadherin alpha 2; plus strand), PCDHA3 (protocadherin alpha 3; plus strand), PCDHA4 (protocadherin alpha 4; plus strand), PCDHA5 (protocadherin alpha 5; plus strand) and 5 more. Cytogenetic location: 5q31.3.
Variant type: single nucleotide variant.
Coding change: c.366G>A on transcript NM_031857.2 (MANE Select); coding-DNA position 366, G replaced by A.
Protein change: p.Glu122=; no amino-acid change (glutamic acid 122 retained).
Molecular consequence: synonymous variant. On other transcripts: intron variant (10).
Genome position (GRCh38, 1-based): chr5:140,848,861, G>A. VCF-style: chr5-140848861-G-A. GRCh37 (hg19) VCF-style: chr5-140228446-G-A.
Other names: c.366G>A, p.Glu122= (NM_014005.5); c.2394+60177G>A (NM_018900.4); c.1602+60969G>A (NM_031411.3); c.2388+51509G>A (NM_018905.3); c.2394+45270G>A (NM_018906.3); c.2385+39289G>A (NM_018907.4); c.2352+24734G>A (NM_018908.3); c.2394+18376G>A (NM_018909.4); and 3 more.
Identifiers: ClinVar variation 3050048 (VCV003050048.2), dbSNP rs373912554, ClinGen allele CA3450212.

ClinVar aggregate classification (germline): Likely benign (0 of 4 stars; one submission).

Conditions:
PCDHA9-related disorder. Also called: PCDHA9-related condition.

Allele frequency attached by ClinVar (database versions not stated): 1000 Genomes Project 30x 0.00016; gnomAD 0.00042.
gnomAD v4.1: 495 of 1,590,730 alleles (0.031%); highest among the groups gnomAD compares: Admixed American, 0.043%; 45 homozygotes.

Submission:

PreventionGenetics, part of Exact Sciences
Classification: Likely benign for PCDHA9-related condition. Last evaluated: 2021-04-19. Review status: no assertion criteria provided. Collection method: clinical testing. Allele origin: germline.
Comment: This variant is classified as likely benign based on ACMG/AMP sequence variant interpretation guidelines (Richards et al. 2015 PMID: 25741868, with internal and published modifications).